The following is an entry in ClinVar:

ClinVar aggregate classification (germline): Pathogenic. Review status: criteria provided, multiple submitters, no conflicts (2 of 4 stars). 4 submissions from 4 submitters: Pathogenic (3). 1 of the submissions does not count toward it. Last evaluated 2024-10-24.

Conditions:
Axenfeld-Rieger syndrome type 3 (RIEG3). Also called: AXENFELD-RIEGER ANOMALY WITH CARDIAC DEFECTS AND/OR SENSORINEURAL HEARING LOSS. Identifiers: Orphanet 782, MedGen C2678503, MONDO:0011233, OMIM 602482.

Submissions (4):

Labcorp Genetics (formerly Invitae), Labcorp
Classification: Pathogenic for Axenfeld-Rieger syndrome type 3. Last evaluated: 2024-10-24. Review status: criteria provided, single submitter. Criteria: Invitae Variant Classification Sherloc (09022015). Collection method: clinical testing. Allele origin: germline.
Comment: This sequence change replaces leucine, which is neutral and non-polar, with phenylalanine, which is neutral and non-polar, at codon 86 of the FOXC1 protein (p.Leu86Phe). This variant is not present in population databases (gnomAD no frequency). This missense change has been observed in individuals with Axenfeld-Rieger syndrome (PMID: 14578375, 17197537, 28513611). It has also been observed to segregate with disease in related individuals. ClinVar contains an entry for this variant (Variation ID: 265478). Invitae Evidence Modeling of protein sequence and biophysical properties (such as structural, functional, and spatial information, amino acid conservation, physicochemical variation, residue mobility, and thermodynamic stability) indicates that this missense variant is expected to disrupt FOXC1 protein function with a positive predictive value of 95%. Experimental studies have shown that this missense change affects FOXC1 function (PMID: 14506133, 14578375, 32631953). For these reasons, this variant has been classified as Pathogenic.

Neuberg Centre For Genomic Medicine, NCGM
Classification: Pathogenic for Axenfeld-Rieger syndrome type 3. Last evaluated: 2023-06-22. Review status: criteria provided, single submitter. Criteria: ACMG Guidelines, 2015. Collection method: clinical testing. Allele origin: germline. Inheritance: Autosomal dominant inheritance. Affected: yes.
Comment: The observed missense c.256C>T(p.Leu86Phe) variant in FOXC1 gene has been reported previously in heterozygous state in individual(s) affected with Axenfeld-Rieger syndrome (Gauthier and Wiggs, 2020). Experimental studies have shown that this missense change affects FOXC1 function (Zhang et al., 2020). This variant is absent in gnomAD Exomes. This variant has been reported to the ClinVar database as Likely Pathogenic / Pathogenic. The amino acid Leu at position 86 is changed to a Phe changing protein sequence and it might alter its composition and physico-chemical properties. The amino acid change p.Leu86Phe in FOXC1 is predicted as conserved by GERP++ and PhyloP across 100 vertebrates. Multiple lines of computational evidence (Polyphen - Damaging, SIFT - Damaging, and MutationTaster - Disease causing) predict a damaging effect on protein structure and function for this variant. For these reasons, this variant has been classified as Pathogenic.

GeneDx
Classification: Pathogenic. Last evaluated: 2022-10-12. Review status: criteria provided, single submitter. Criteria: GeneDx Variant Classification Process June 2021. Collection method: clinical testing. Allele origin: germline. Affected: yes.
Comment: Published functional studies demonstrate a damaging effect (reduced capacity for DNA binding and transactivation) (Saleem RA et al., 2003); In silico analysis supports that this missense variant has a deleterious effect on protein structure/function; Not observed at significant frequency in large population cohorts (gnomAD); This variant is associated with the following publications: (PMID: 14578375, 27535533, 28513611)

Genetics and Molecular Pathology, SA Pathology
Classification: Likely pathogenic for Axenfeld-Rieger syndrome type 3. Last evaluated: 2016-03-11. Review status: no assertion criteria provided. Collection method: clinical testing. Allele origin: unknown. Inheritance: Autosomal dominant inheritance. Affected: yes. Observed: 2 variant alleles, 2 heterozygotes. Not counted in ClinVar's aggregate classification.
Comment: Missense; predicted to affect function by multiple algorithms (SIFT, PolyPhen), demonstrates reduced transactivation (Saleem et al., 2003), hightly conserved region, conservation throughout FOX gene family

Literature cited by the submitters: PubMed 14578375 (cited by Labcorp Genetics (formerly Invitae), Labcorp); PubMed 17197537 (cited by Labcorp Genetics (formerly Invitae), Labcorp); PubMed 28513611 (cited by Labcorp Genetics (formerly Invitae), Labcorp); PubMed 14506133 (cited by Labcorp Genetics (formerly Invitae), Labcorp); PubMed 32631953 (cited by Labcorp Genetics (formerly Invitae), Labcorp).

NM_001453.3(FOXC1):c.256C>T (p.Leu86Phe)

Genes: FOXC1 (forkhead box C1; plus strand), LOC129995601 (ATAC-STARR-seq lymphoblastoid active region 23864; plus strand). Cytogenetic location: 6p25.3.
Variant type: single nucleotide variant.
Coding change: c.256C>T on transcript NM_001453.3 (MANE Select); coding-DNA position 256, C replaced by T.
Protein change: p.Leu86Phe; replaces leucine 86 with phenylalanine.
Molecular consequence: missense variant.
Genome position (GRCh38, 1-based): chr6:1,610,701, C>T. VCF-style: chr6-1610701-C-T. GRCh37 (hg19) VCF-style: chr6-1610936-C-T.
Other names: short protein forms L86F.
Identifiers: ClinVar variation 265478 (VCV000265478.10), dbSNP rs886039568, ClinGen allele CA10588416.
Genomic context (GRCh38, chr6:1,610,701, plus strand): 5'-CCCTACACGCCGCAGCCGCAGCCCAAGGACATGGTGAAGCCGCCCTATAGCTACATCGCG[C>T]TCATCACCATGGCCATCCAGAACGCCCCGGACAAGAAGATCACCCTGAACGGCATCTACC-3'
Protein context (NP_001444.2, residues 76-96): MVKPPYSYIA[Leu86Phe]ITMAIQNAPD